The following is an entry in ClinVar:

NM_000257.4(MYH7):c.810dup (p.Ser271fs)

Gene: MYH7 (myosin heavy chain 7; minus strand). Cytogenetic location: 14q11.2.
Variant type: Duplication.
Coding change: c.810dup on transcript NM_000257.4 (MANE Select); coding-DNA position 810, one base duplicated (A; older notation c.810dupA).
Protein change: p.Ser271fs; shifts the reading frame from serine 271.
Molecular consequence: frameshift variant.
Genome position (GRCh38, 1-based): chr14:23,430,986, T duplicated on the plus strand (A on the coding strand, the reverse complement: MYH7 is on the minus strand); the first of 5 consecutive T bases (chr14:23,430,986-23,430,990); duplicating any one gives the same sequence. VCF-style (leftmost placement, unchanged base first): chr14-23430985-A-AT. GRCh37 (hg19) VCF-style: chr14-23900194-A-AT.
Other names: short protein forms S271fs.
Identifiers: ClinVar variation 1507659 (VCV001507659.6), dbSNP rs2138680236, ClinGen allele CA2573149874.

ClinVar aggregate classification (germline): Uncertain significance (1 of 4 stars; one submission).

Conditions:
Hypertrophic cardiomyopathy. Also called: HYPERTROPHIC MYOCARDIOPATHY. Identifiers: Orphanet 217569, MedGen C0007194, MeSH D002312, MONDO:0005045, HP:0001639.

Submission:

Labcorp Genetics (formerly Invitae), Labcorp
Classification: Uncertain significance for Hypertrophic cardiomyopathy. Last evaluated: 2021-10-16. Review status: criteria provided, single submitter. Criteria: Invitae Variant Classification Sherloc (09022015). Collection method: clinical testing. Allele origin: germline.
Comment: In summary, the available evidence is currently insufficient to determine the role of this variant in disease. Therefore, it has been classified as a Variant of Uncertain Significance. This variant has not been reported in the literature in individuals affected with MYH7-related conditions. This variant is not present in population databases (ExAC no frequency). This sequence change creates a premature translational stop signal (p.Ser271Ilefs*22) in the MYH7 gene. It is expected to result in an absent or disrupted protein product. However, the current clinical and genetic evidence is not sufficient to establish whether loss-of-function variants in MYH7 cause disease.